The following is an entry in ClinVar:

ClinVar aggregate classification (germline): Conflicting classifications of pathogenicity. Review status: criteria provided, conflicting classifications (1 of 4 stars). 4 submissions from 4 submitters: Uncertain significance (2); Likely benign (2). Last evaluated 2025-09-16.

Conditions:
Hereditary breast ovarian cancer syndrome. Also called: Hereditary breast and ovarian cancer syndrome (HBOC); Hereditary breast and ovarian cancer syndrome; Breast and ovarian cancer; Hereditary breast and/or ovarian cancer syndrome; Hereditary breast and ovarian cancer; BRCA1- and BRCA2-Associated Hereditary Breast and Ovarian Cancer. Identifiers: Orphanet 145, MedGen C0677776, MeSH D061325, MONDO:0003582. Disease mechanism: loss of function.
Hereditary cancer-predisposing syndrome. Also called: Neoplastic Syndromes, Hereditary; Hereditary Cancer Syndrome; Hereditary neoplastic syndrome; Tumor predisposition. Identifiers: Orphanet 140162, MedGen C0027672, MeSH D009386, MONDO:0015356.

Submissions (4):

Ambry Genetics
Classification: Likely benign for Hereditary cancer-predisposing syndrome. Last evaluated: 2025-09-16. Review status: criteria provided, single submitter. Criteria: Ambry Variant Classification Scheme 2023. Collection method: clinical testing. Allele origin: germline.

Color Diagnostics, LLC DBA Color Health
Classification: Uncertain significance for Hereditary cancer-predisposing syndrome. Last evaluated: 2025-06-11. Review status: criteria provided, single submitter. Criteria: ACMG Guidelines, 2015. Collection method: clinical testing. Allele origin: germline.
Comment: This missense variant replaces proline with alanine at codon 2036 of the BRCA2 protein. Computational prediction suggests that this variant may not impact protein structure and function. To our knowledge, functional studies have not been reported for this variant. This variant has not been reported in individuals affected with BRCA2-related disorders in the literature. This variant has not been identified in the general population by the Genome Aggregation Database (gnomAD). The available evidence is insufficient to determine the role of this variant in disease conclusively. Therefore, this variant is classified as a Variant of Uncertain Significance.

Labcorp Genetics (formerly Invitae), Labcorp
Classification: Uncertain significance for Hereditary breast ovarian cancer syndrome. Last evaluated: 2023-10-23. Review status: criteria provided, single submitter. Criteria: Invitae Variant Classification Sherloc (09022015). Collection method: clinical testing. Allele origin: germline.
Comment: This sequence change replaces proline, which is neutral and non-polar, with alanine, which is neutral and non-polar, at codon 2036 of the BRCA2 protein (p.Pro2036Ala). This variant is not present in population databases (gnomAD no frequency). This variant has not been reported in the literature in individuals affected with BRCA2-related conditions. ClinVar contains an entry for this variant (Variation ID: 462397). Advanced modeling of protein sequence and biophysical properties (such as structural, functional, and spatial information, amino acid conservation, physicochemical variation, residue mobility, and thermodynamic stability) performed at Invitae indicates that this missense variant is not expected to disrupt BRCA2 protein function. In summary, the available evidence is currently insufficient to determine the role of this variant in disease. Therefore, it has been classified as a Variant of Uncertain Significance.

University of Washington Department of Laboratory Medicine, University of Washington
Classification: Likely benign for Hereditary cancer-predisposing syndrome. Last evaluated: 2023-03-23. Review status: criteria provided, single submitter. Criteria: Dines et al. (Genet Med. 2020). Collection method: curation. Allele origin: germline.
Comment: Missense variant in a coldspot region where missense variants are very unlikely to be pathogenic (PMID:31911673).

BRCA2 exon 11 coldspot. Reclassification based on statistical prior probability.

NM_000059.4(BRCA2):c.6106C>G (p.Pro2036Ala)

Gene: BRCA2 (BRCA2 DNA repair associated; plus strand). Cytogenetic location: 13q13.1.
Variant type: single nucleotide variant.
Coding change: c.6106C>G on transcript NM_000059.4 (MANE Select); coding-DNA position 6106, C replaced by G.
Protein change: p.Pro2036Ala; replaces proline 2036 with alanine.
Molecular consequence: missense variant.
Genome position (GRCh38, 1-based): chr13:32,340,461, C>G. VCF-style: chr13-32340461-C-G. GRCh37 (hg19) VCF-style: chr13-32914598-C-G.
Other names: short protein forms P2036A.
Identifiers: ClinVar variation 462397 (VCV000462397.11), dbSNP rs587782740, ClinGen allele CA387788111.
Genomic context (GRCh38, chr13:32,340,461, plus strand): 5'-TTTAAAAGTAACGAACATTCAGACCAGCTCACAAGAGAAGAAAATACTGCTATACGTACT[C>G]CAGAACATTTAATATCCCAAAAAGGCTTTTCATATAATGTGGTAAATTCATCTGCTTTCT-3'
Protein context (NP_000050.3, residues 2026-2046): TREENTAIRT[Pro2036Ala]EHLISQKGFS